The following is an entry in ClinVar:

ClinVar aggregate classification (germline): Pathogenic (1 of 4 stars; one submission).

Submission:

Labcorp Genetics (formerly Invitae), Labcorp
Classification: Pathogenic. Last evaluated: 2023-10-09. Review status: criteria provided, single submitter. Criteria: Invitae Variant Classification Sherloc (09022015). Collection method: clinical testing. Allele origin: germline.
Comment: This sequence change creates a premature translational stop signal (p.Gly563Aspfs*15) in the COL17A1 gene. It is expected to result in an absent or disrupted protein product. Loss-of-function variants in COL17A1 are known to be pathogenic (PMID: 16473856, 17344927, 20301304, 21357940, 24319098). This variant is not present in population databases (gnomAD no frequency). This variant has not been reported in the literature in individuals affected with COL17A1-related conditions. For these reasons, this variant has been classified as Pathogenic.

Literature cited by the submitters: PubMed 16473856; PubMed 17344927; PubMed 20301304; PubMed 21357940; PubMed 24319098.

NM_000494.4(COL17A1):c.1672_1687dup (p.Gly563fs)

Gene: COL17A1 (collagen type XVII alpha 1 chain; minus strand). Cytogenetic location: 10q25.1.
Variant type: Duplication.
Coding change: c.1672_1687dup on transcript NM_000494.4 (MANE Select); coding-DNA positions 1672 to 1687, 16 bases duplicated (ATGGAACAGGAAAATG).
Protein change: p.Gly563fs; shifts the reading frame from glycine 563.
Molecular consequence: frameshift variant.
Genome position (GRCh38, 1-based): chr10:104,055,782-104,055,797, CATTTTCCTGTTCCAT duplicated on the plus strand (ATGGAACAGGAAAATG on the coding strand, the reverse complement: COL17A1 is on the minus strand); duplicating any 16 consecutive bases within chr10:104,055,782-104,055,801 gives the same sequence; the c. name uses the placement nearest the transcript's 3' end. VCF-style (leftmost placement, unchanged base first): chr10-104055781-C-CCATTTTCCTGTTCCAT. GRCh37 (hg19) VCF-style: chr10-105815539-C-CCATTTTCCTGTTCCAT.
Other names: short protein forms G563fs.
Identifiers: ClinVar variation 2767350 (VCV002767350.3), dbSNP rs2493340659, ClinGen allele CA2697558767.